The following is an entry in ClinVar:

NM_001211.6(BUB1B):c.2538T>A (p.Asp846Glu)

Gene: BUB1B (BUB1 mitotic checkpoint serine/threonine kinase B; plus strand). Cytogenetic location: 15q15.1.
Variant type: single nucleotide variant.
Coding change: c.2538T>A on transcript NM_001211.6 (MANE Select); coding-DNA position 2538, T replaced by A.
Protein change: p.Asp846Glu; replaces aspartic acid 846 with glutamic acid.
Molecular consequence: missense variant.
Genome position (GRCh38, 1-based): chr15:40,213,334, T>A. VCF-style: chr15-40213334-T-A. GRCh37 (hg19) VCF-style: chr15-40505535-T-A.
Other names: short protein forms D846E.
Identifiers: ClinVar variation 4824243 (VCV004824243.1).
Genomic context (GRCh38, chr15:40,213,334, plus strand): 5'-TATAACTACGATCTGCCAAACTTGAGAAATAGTGAGTTTTCTGTCCTTCAATTTCCAGGA[T>A]CTTCTCCAACACAGTGAATATATTACCCATGAAATAACAGTGTTGATTATTTATAACCTT-3'
Protein context (NP_001202.5, residues 836-856): HQYINCFTLQ[Asp846Glu]LLQHSEYITH

ClinVar aggregate classification (germline): Uncertain significance (1 of 4 stars; one submission).

Conditions:
Inborn genetic diseases. Identifiers: MedGen C0950123, MeSH D030342.

gnomAD v4.1: 23 of 1,613,668 alleles (0.0014%); highest among the groups gnomAD compares: Non-Finnish European, 0.000085%; no homozygotes.

Submission:

Ambry Genetics
Classification: Uncertain significance for Inborn genetic diseases. Last evaluated: 2026-02-15. Review status: criteria provided, single submitter. Criteria: Ambry Variant Classification Scheme 2023. Collection method: clinical testing. Allele origin: germline.
Comment: The p.D846E variant (also known as c.2538T>A), located in coding exon 20 of the BUB1B gene, results from a T to A substitution at nucleotide position 2538. The aspartic acid at codon 846 is replaced by glutamic acid, an amino acid with highly similar properties. This amino acid position is conserved. In addition, this alteration is predicted to be tolerated by in silico analysis. Based on the available evidence, the clinical significance of this variant remains unclear.